The following is an entry in ClinVar:

ClinVar aggregate classification (germline): Uncertain significance (1 of 4 stars; one submission).

Conditions:
Inborn genetic diseases. Identifiers: MedGen C0950123, MeSH D030342.

Submission:

Ambry Genetics
Classification: Uncertain significance for Inborn genetic diseases. Last evaluated: 2023-03-24. Review status: criteria provided, single submitter. Criteria: Ambry Variant Classification Scheme 2023. Collection method: clinical testing. Allele origin: germline.
Comment: The p.P777L variant (also known as c.2330C>T), located in coding exon 10 of the ATR gene, results from a C to T substitution at nucleotide position 2330. The proline at codon 777 is replaced by leucine, an amino acid with similar properties. This amino acid position is conserved. In addition, this alteration is predicted to be tolerated by in silico analysis. Since supporting evidence is limited at this time, the clinical significance of this alteration remains unclear.

NM_001184.4(ATR):c.2330C>T (p.Pro777Leu)

Gene: ATR (ATR checkpoint kinase; minus strand). Cytogenetic location: 3q23.
Variant type: single nucleotide variant.
Coding change: c.2330C>T on transcript NM_001184.4 (MANE Select); coding-DNA position 2330, C replaced by T.
Protein change: p.Pro777Leu; replaces proline 777 with leucine.
Molecular consequence: missense variant.
Genome position (GRCh38, 1-based): chr3:142,555,888, G>A on the plus strand (C>T on the coding strand, the complement: ATR is on the minus strand). VCF-style: chr3-142555888-G-A. GRCh37 (hg19) VCF-style: chr3-142274730-G-A.
Other names: c.2138C>T, p.Pro713Leu (NM_001354579.2); short protein forms P713L, P777L.
Identifiers: ClinVar variation 2562500 (VCV002562500.2), dbSNP rs2108470255, ClinGen allele CA354818324.